The following is an entry in ClinVar:

NM_178170.3(NEK8):c.112G>C (p.Glu38Gln)

Gene: NEK8 (NIMA related kinase 8; plus strand). Cytogenetic location: 17q11.2.
Variant type: single nucleotide variant.
Coding change: c.112G>C on transcript NM_178170.3 (MANE Select); coding-DNA position 112, G replaced by C.
Protein change: p.Glu38Gln; replaces glutamic acid 38 with glutamine.
Molecular consequence: missense variant.
Genome position (GRCh38, 1-based): chr17:28,734,047, G>C. VCF-style: chr17-28734047-G-C. GRCh37 (hg19) VCF-style: chr17-27061065-G-C.
Other names: short protein forms E38Q.
Identifiers: ClinVar variation 4527730 (VCV004527730.4).

ClinVar aggregate classification (germline): Uncertain significance. Review status: criteria provided, multiple submitters, no conflicts (2 of 4 stars). 3 submissions from 3 submitters: Uncertain significance (3). Last evaluated 2026-04-05.

Conditions:
Nephronophthisis 9 (NPHP9). Identifiers: Orphanet 655, MedGen C3151188, MONDO:0013444, OMIM 613824.
NEK8-related disorder. Also called: NEK8-related condition.

gnomAD v4.1: 79 of 1,614,138 alleles (0.0049%); highest among the groups gnomAD compares: Non-Finnish European, 0.0064%; no homozygotes.

Submissions (3):

GeneDx
Classification: Uncertain significance. Last evaluated: 2026-04-05. Review status: criteria provided, single submitter. Criteria: GeneDx Variant Classification Process June 2021. Collection method: clinical testing. Allele origin: germline.
Comment: In silico analysis suggests that this missense variant does not alter protein structure/function; Has not been previously published as pathogenic or benign to our knowledge

PreventionGenetics, part of Exact Sciences
Classification: Uncertain significance for NEK8-related condition. Last evaluated: 2025-12-26. Review status: criteria provided, single submitter. Criteria: ACMG Guidelines, 2015. Collection method: clinical testing. Allele origin: germline.
Comment: The NEK8 c.112G>C variant is predicted to result in the amino acid substitution p.Glu38Gln. To our knowledge, this variant has not been reported in the literature. Of note, this variant is located within the kinase domain related to autosomal dominant polycystic kidney disease (ADPKD) (Figure 2, Claus et al. 2023. PubMed ID: 37598857). This variant is reported in 0.0053% of alleles in individuals of European (Non-Finnish) descent in gnomAD. At this time, the clinical significance of this variant is uncertain due to the absence of conclusive functional and genetic evidence.

Labcorp Genetics (formerly Invitae), Labcorp
Classification: Uncertain significance for Nephronophthisis 9. Last evaluated: 2025-05-30. Review status: criteria provided, single submitter. Criteria: Invitae Variant Classification Sherloc (09022015). Collection method: clinical testing. Allele origin: germline.
Comment: This sequence change replaces glutamic acid, which is acidic and polar, with glutamine, which is neutral and polar, at codon 38 of the NEK8 protein (p.Glu38Gln). This variant is present in population databases (rs147141279, gnomAD 0.007%). This variant has not been reported in the literature in individuals affected with NEK8-related conditions. An algorithm developed to predict the effect of missense changes on protein structure and function (PolyPhen-2) suggests that this variant is likely to be disruptive. In summary, the available evidence is currently insufficient to determine the role of this variant in disease. Therefore, it has been classified as a Variant of Uncertain Significance.